The following is an entry in ClinVar:

NM_153332.4(ERI1):c.501A>G (p.Glu167=)

Gene: ERI1 (exoribonuclease 1). Cytogenetic location: 8p23.1.
Variant type: single nucleotide variant.
Coding change: c.501A>G on transcript NM_153332.4 (MANE Select); coding-DNA position 501, A replaced by G.
Protein change: p.Glu167=; no amino-acid change (glutamic acid 167 retained).
Molecular consequence: synonymous variant.
Genome position (GRCh38, 1-based): chr8:9,016,324, A>G. VCF-style: chr8-9016324-A-G. GRCh37 (hg19) VCF-style: chr8-8873834-A-G.
Other names: c.267A>G, p.Glu89= (NM_001354635.2); c.156A>G, p.Glu52= (NM_001354636.2); c.501A>G, p.Glu167= (NM_001354638.2).
Identifiers: ClinVar variation 2658381 (VCV002658381.24), dbSNP rs555519734, ClinGen allele CA4619860.

ClinVar aggregate classification (germline): Likely benign (1 of 4 stars; one submission).

Allele frequency attached by ClinVar (database versions not stated): TOPMed 0.00002; gnomAD exomes 0.00006; gnomAD 0.00007; ExAC 0.00008; 1000 Genomes Project 30x 0.00016; 1000 Genomes Project 0.00020.
gnomAD v4.1: 95 of 1,594,258 alleles (0.006%); highest among the groups gnomAD compares: South Asian, 0.058%; no homozygotes.

Submission:

CeGaT Center for Human Genetics Tuebingen
Classification: Likely benign. Last evaluated: 2022-07-01. Review status: criteria provided, single submitter. Criteria: CeGaT Center For Human Genetics Tuebingen Variant Classification Criteria Version 2. Collection method: clinical testing. Allele origin: germline. Affected: yes. Observed: 1 variant allele.
Comment: ERI1: BP4, BP7